The following is an entry in ClinVar:

ClinVar aggregate classification (germline): other (0 of 4 stars; one submission).

Conditions:
Familial colorectal cancer. Identifiers: MedGen CN280943, MONDO:0023113. Disease mechanism: loss of function.

Submission:

Systems Biology Platform Zhejiang California International NanoSystems Institute
Classification: other for Familial colorectal cancer. Review status: no assertion criteria provided. Collection method: not provided. Allele origin: unknown.
ClinVar note: Converted during submission from cancer to other.

NM_000038.6(APC):c.1743+344G>T

Gene: APC (APC regulator of WNT signaling pathway; plus strand). Cytogenetic location: 5q22.2.
Variant type: single nucleotide variant.
Coding change: c.1743+344G>T on transcript NM_000038.6 (MANE Select); 344 bases into the intron after coding-DNA position 1743, G replaced by T.
Molecular consequence: intron variant.
Genome position (GRCh38, 1-based): chr5:112,829,316, G>T. VCF-style: chr5-112829316-G-T. GRCh37 (hg19) VCF-style: chr5-112165013-G-T.
Other names: c.1743+344G>T (NM_001354895.2, NM_001127510.3); c.1773+344G>T (NM_001354897.2); c.1470+344G>T (NM_001354902.2); c.1689+344G>T (NM_001127511.3); c.1668+344G>T (NM_001354898.2); c.1365+344G>T (NM_001354904.2); c.894+344G>T (NM_001354906.2); c.1797+344G>T (NM_001354896.2); and 5 more.
Identifiers: ClinVar variation 83165 (VCV000083165.2), dbSNP rs77274836, ClinGen allele CA005656.